The following is an entry in ClinVar:

NM_001273.5(CHD4):c.4909+1G>A

Genes: CHD4 (chromodomain helicase DNA binding protein 4; minus strand), CHD4-AS1 (CHD4 antisense RNA 1; plus strand). Cytogenetic location: 12p13.31.
Variant type: single nucleotide variant.
Coding change: c.4909+1G>A on transcript NM_001273.5 (MANE Select); the canonical splice donor site of the intron after coding-DNA position 4909, G replaced by A.
Molecular consequence: splice donor variant. On other transcripts: missense variant (1).
Genome position (GRCh38, 1-based): chr12:6,581,043, C>T on the plus strand (G>A on the coding strand, the complement: CHD4 is on the minus strand). VCF-style: chr12-6581043-C-T. GRCh37 (hg19) VCF-style: chr12-6690209-C-T.
Other names: c.4871G>A, p.Gly1624Asp (NM_001363606.2); c.4888+1G>A (NM_001297553.2); short protein forms G1624D.
Identifiers: ClinVar variation 2265251 (VCV002265251.3), dbSNP rs1948177985, ClinGen allele CA383569872.

ClinVar aggregate classification (germline): Uncertain significance (1 of 4 stars; one submission).

Conditions:
Inborn genetic diseases. Identifiers: MedGen C0950123, MeSH D030342.

Allele frequency attached by ClinVar (database versions not stated): gnomAD exomes 0.00001.

Submission:

Ambry Genetics
Classification: Uncertain significance for Inborn genetic diseases. Last evaluated: 2024-10-15. Review status: criteria provided, single submitter. Criteria: Ambry Variant Classification Scheme 2023. Collection method: clinical testing. Allele origin: germline.
Comment: The c.4909+1G>A intronic variant results from a G to A substitution one nucleotide after exon 33 (coding exon 32) of the CHD4 gene. Alterations that disrupt the canonical splice site are expected to cause aberrant splicing, resulting in an abnormal protein or a transcript that is subject to nonsense-mediated mRNA decay. However, loss-of-function of CHD4 has not been established as a mechanism of disease. On an alternate transcript (NM_001363606.2), the alteration results in an amino acid change. The c.4871G>A (p.G1624D) alteration is located in exon 33 (coding exon 32) of the CHD4 gene. This alteration results from a G to A substitution at nucleotide position 4871, causing the glycine (G) at amino acid position 1624 to be replaced by an aspartate (D). This variant was not reported in population-based cohorts in the Genome Aggregation Database (gnomAD). This variant has been determined to be heterozygous in individuals with features consistent with CHD4-related neurodevelopmental disorder (Ambry internal data). This nucleotide position is highly conserved in available vertebrate species. Based on insufficient or conflicting evidence, the clinical significance of this alteration remains unclear.